The following is an entry in ClinVar:

NM_178822.5(IGSF10):c.7143T>G (p.Asn2381Lys)

Gene: IGSF10 (immunoglobulin superfamily member 10; minus strand). Cytogenetic location: 3q25.1.
Variant type: single nucleotide variant.
Coding change: c.7143T>G on transcript NM_178822.5 (MANE Select); coding-DNA position 7143, T replaced by G.
Protein change: p.Asn2381Lys; replaces asparagine 2381 with lysine.
Molecular consequence: missense variant.
Genome position (GRCh38, 1-based): chr3:151,437,418, A>C on the plus strand (T>G on the coding strand, the complement: IGSF10 is on the minus strand). VCF-style: chr3-151437418-A-C. GRCh37 (hg19) VCF-style: chr3-151155206-A-C.
Other names: c.1080T>G, p.Asn360Lys (NM_001178145.3, NM_001178146.3); c.7143T>G, p.Asn2381Lys (NM_001385060.1, NM_001385061.1, NM_001385062.1 and 1 more transcripts); short protein forms N2381K, N360K.
Identifiers: ClinVar variation 3707148 (VCV003707148.2).

ClinVar aggregate classification (germline): Uncertain significance (1 of 4 stars; one submission).

Submission:

Labcorp Genetics (formerly Invitae), Labcorp
Classification: Uncertain significance. Last evaluated: 2024-09-11. Review status: criteria provided, single submitter. Criteria: Invitae Variant Classification Sherloc (09022015). Collection method: clinical testing. Allele origin: germline.
Comment: This sequence change replaces asparagine, which is neutral and polar, with lysine, which is basic and polar, at codon 2381 of the IGSF10 protein (p.Asn2381Lys). This variant is not present in population databases (gnomAD no frequency). This variant has not been reported in the literature in individuals affected with IGSF10-related conditions. An algorithm developed to predict the effect of missense changes on protein structure and function (PolyPhen-2) suggests that this variant is likely to be tolerated. In summary, the available evidence is currently insufficient to determine the role of this variant in disease. Therefore, it has been classified as a Variant of Uncertain Significance.